The following is an entry in ClinVar:

ClinVar aggregate classification (germline): Conflicting classifications of pathogenicity. Review status: criteria provided, conflicting classifications (1 of 4 stars). 3 submissions from 3 submitters: Uncertain significance (1); Likely benign (2). Last evaluated 2025-11-04.

Conditions:
Primary dilated cardiomyopathy (DCM). Also called: Dilated Cardiomyopathy. Identifiers: Orphanet 217604, MedGen C0007193, MeSH D002311, MONDO:0005021, HP:0001644. Inheritance: Various modes of inheritance.

Allele frequency attached by ClinVar (database versions not stated): gnomAD exomes 0.00002 and 0.00007; TOPMed 0.00004; ExAC 0.00005; gnomAD 0.00005 and 0.00006.
gnomAD v4.1: 36 of 1,605,866 alleles (0.0022%); highest among the groups gnomAD compares: Admixed American, 0.048%; 1 homozygote.

Submissions (3):

Labcorp Genetics (formerly Invitae), Labcorp
Classification: Uncertain significance for Primary dilated cardiomyopathy. Last evaluated: 2025-11-04. Review status: criteria provided, single submitter. Criteria: Invitae Variant Classification Sherloc (09022015). Collection method: clinical testing. Allele origin: germline.
Comment: This sequence change replaces glycine, which is neutral and non-polar, with glutamic acid, which is acidic and polar, at codon 19 of the NEBL protein (p.Gly19Glu). This variant is present in population databases (rs727503338, gnomAD 0.05%). This variant has not been reported in the literature in individuals affected with NEBL-related conditions. ClinVar contains an entry for this variant (Variation ID: 164772). An algorithm developed to predict the effect of missense changes on protein structure and function outputs the following: PolyPhen-2: "Benign". The glutamic acid amino acid residue is found in multiple mammalian species, which suggests that this missense change does not adversely affect protein function. In summary, the available evidence is currently insufficient to determine the role of this variant in disease. Therefore, it has been classified as a Variant of Uncertain Significance.

Ambry Genetics
Classification: Likely benign. Last evaluated: 2024-08-11. Review status: criteria provided, single submitter. Criteria: Ambry Variant Classification Scheme 2023. Collection method: clinical testing. Allele origin: germline.

Laboratory for Molecular Medicine, Mass General Brigham Personalized Medicine
Classification: Likely benign. Last evaluated: 2014-04-04. Review status: criteria provided, single submitter. Criteria: LMM Criteria. Collection method: clinical testing. Allele origin: germline. Observed: 1 variant allele.
Comment: Gly19Glu in exon 1 of NEBL: This variant is not expected to have clinical signif icance due to a lack of conservation across species, including mammals. Of note, >20 mammals and other species have a glutamine (Glu) at this position despite h igh nearby amino acid conservation. In addition, computational prediction tools do not suggest a high likelihood of impact to the protein.

NM_006393.3(NEBL):c.56G>A (p.Gly19Glu)

Gene: NEBL (nebulette; minus strand). Cytogenetic location: 10p12.31.
Variant type: single nucleotide variant.
Coding change: c.56G>A on transcript NM_006393.3 (MANE Select); coding-DNA position 56, G replaced by A.
Protein change: p.Gly19Glu; replaces glycine 19 with glutamic acid.
Molecular consequence: missense variant. On other transcripts: intron variant (9).
Genome position (GRCh38, 1-based): chr10:20,897,150, C>T on the plus strand (G>A on the coding strand, the complement: NEBL is on the minus strand). VCF-style: chr10-20897150-C-T. GRCh37 (hg19) VCF-style: chr10-21186079-C-T.
Other names: c.249+64522G>A (NM_001377326.1, NM_001377327.1, NM_001377328.1); c.357+64522G>A (NM_213569.2, NM_001173484.2, NM_001377322.1); c.300+64522G>A (NM_001377324.1); c.291+64522G>A (NM_001377325.1); c.309+64522G>A (NM_001377323.1); short protein forms G19E.
Identifiers: ClinVar variation 164772 (VCV000164772.13), dbSNP rs727503338, ClinGen allele CA177468.